The following is an entry in ClinVar:

NM_001330574.2(ZNF711):c.1465G>A (p.Asp489Asn)

Gene: ZNF711 (zinc finger protein 711; plus strand). Cytogenetic location: Xq21.1.
Variant type: single nucleotide variant.
Coding change: c.1465G>A on transcript NM_001330574.2 (MANE Select); coding-DNA position 1465, G replaced by A.
Protein change: p.Asp489Asn; replaces aspartic acid 489 with asparagine.
Molecular consequence: missense variant.
Genome position (GRCh38, 1-based): chrX:85,270,869, G>A. VCF-style: chrX-85270869-G-A. GRCh37 (hg19) VCF-style: chrX-84525875-G-A.
Other names: c.1327G>A, p.Asp443Asn (NM_001375436.1, NM_001375437.1, NM_021998.5 and 2 more transcripts); c.1465G>A, p.Asp489Asn (NM_001375431.1, NM_001375432.1, NM_001375433.1); short protein forms D489N, D443N.
Identifiers: ClinVar variation 917792 (VCV000917792.1), dbSNP rs1462160566, ClinGen allele CA413773153.

ClinVar aggregate classification (germline): Uncertain significance (1 of 4 stars; one submission).

Allele frequency attached by ClinVar (database versions not stated): gnomAD exomes 0.00001; TOPMed 0.00001.
gnomAD v4.1: 7 of 1,208,534 alleles (0.00058%); highest among the groups gnomAD compares: Non-Finnish European, 0.00067%; no homozygotes.

Submission:

Women's Health and Genetics/Laboratory Corporation of America, LabCorp
Classification: Uncertain significance. Last evaluated: 2020-04-20. Review status: criteria provided, single submitter. Criteria: LabCorp Variant Classification Summary - May 2015. Collection method: clinical testing. Allele origin: germline.
Comment: Variant summary: ZNF711 c.1327G>A (p.Asp443Asn) results in a conservative amino acid change in the encoded protein sequence. Three of five in-silico tools predict a benign effect of the variant on protein function. The variant was absent in 175685 control chromosomes. The available data on variant occurrences in the general population are insufficient to allow any conclusion about variant significance. To our knowledge, no occurrence of c.1327G>A in individuals affected with X-linked Intellectual Disability 97 and no experimental evidence demonstrating its impact on protein function have been reported. No clinical diagnostic laboratories have submitted clinical-significance assessments for this variant to ClinVar after 2014. Based on the evidence outlined above, the variant was classified as uncertain significance.